The following is an entry in ClinVar:

ClinVar aggregate classification (germline): Pathogenic/Likely pathogenic. Review status: criteria provided, multiple submitters, no conflicts (2 of 4 stars). 7 submissions from 7 submitters: Pathogenic (5); Likely pathogenic (2). Last evaluated 2026-06-15.

Conditions:
Primary ciliary dyskinesia 19. Also called: CILIARY DYSKINESIA, PRIMARY, 19, WITH OR WITHOUT SITUS INVERSUS. Identifiers: Orphanet 244, MedGen C3543826, MONDO:0013979, OMIM 614935.
Primary ciliary dyskinesia. Also called: Ciliary dyskinesia. Identifiers: Orphanet 244, MedGen C0008780, MONDO:0016575, HP:0012265.
DNAAF11-related disorder. Also called: DNAAF11-related condition.

Submissions (7):

Women's Health and Genetics/Laboratory Corporation of America, LabCorp
Classification: Pathogenic for Primary ciliary dyskinesia 19. Last evaluated: 2026-06-15. Review status: criteria provided, single submitter. Criteria: LabCorp Variant Classification Summary - May 2015. Collection method: clinical testing. Allele origin: germline.
Comment: Variant summary: DNAAF11 c.79_80delTC (p.Ser27ValfsX13) results in a premature termination codon, predicted to cause a truncation of the encoded protein or absence of the protein due to nonsense mediated decay, which are commonly known mechanisms for disease. The variant allele was found at a frequency of 9.1e-05 in 1613846 control chromosomes in the gnomAD database, including 1 homozygote. This frequency is not significantly higher than estimated for disease-causing variants in DNAAF11, allowing no conclusion about variant significance. c.79_80delTC has been observed in individual(s) affected with Primary Ciliary Dyskinesia (e.g. Gileles-Hillel_2020). These data indicate that the variant is likely associated with disease. To our knowledge, no experimental evidence demonstrating an impact on protein function has been reported. The following publication has been ascertained in the context of this evaluation (PMID: 33447612). ClinVar contains an entry for this variant (Variation ID: 540327). Based on the evidence outlined above, the variant was classified as pathogenic.

PreventionGenetics, part of Exact Sciences
Classification: Likely pathogenic for DNAAF11-related condition. Last evaluated: 2026-03-09. Review status: criteria provided, single submitter. Criteria: ACMG Guidelines, 2015. Collection method: clinical testing. Allele origin: germline.
Comment: The DNAAF11 c.79_80delTC variant is predicted to result in a frameshift and premature protein termination (p.Ser27Valfs*13). In the literature the DNAAF11 gene is also referred to as LRRC6. This variant has been reported to be causative for autosomal recessive primary ciliary dyskinesia (Supplemental Table E1, Gileles-Hillel et al. 2020. PubMed ID: 33447612; Hou et al. 2020. PubMed ID: 31980526, Dataset 1, Table 3). This variant has also been reported in the heterozygous state in a father and son with testicular cancer (Litchfield et al. 2016. PubMed ID: 27996046, Family PED-2203). This variant is reported in 0.39% of alleles in individuals of Ashkenazi Jewish descent in gnomAD. Frameshift variants in DNAAF11 are expected to be pathogenic. This variant is interpreted as likely pathogenic.

Labcorp Genetics (formerly Invitae), Labcorp
Classification: Pathogenic for Primary ciliary dyskinesia 19. Last evaluated: 2025-12-28. Review status: criteria provided, single submitter. Criteria: Invitae Variant Classification Sherloc (09022015). Collection method: clinical testing. Allele origin: germline.
Comment: This sequence change creates a premature translational stop signal (p.Ser27Valfs*13) in the LRRC6 gene. It is expected to result in an absent or disrupted protein product. Loss-of-function variants in LRRC6 are known to be pathogenic (PMID: 23122589). This variant is present in population databases (rs769220870, gnomAD 0.4%). This premature translational stop signal has been observed in individual(s) with primary ciliary dyskinesia (PMID: 33447612). ClinVar contains an entry for this variant (Variation ID: 540327). For these reasons, this variant has been classified as Pathogenic.

Institute Of Molecular Biology And Genetics, Federal Almazov National Medical Research Centre
Classification: Pathogenic for Primary ciliary dyskinesia. Last evaluated: 2023-12-11. Review status: criteria provided, single submitter. Criteria: ACMG Guidelines, 2015. Collection method: clinical testing. Allele origin: germline. Affected: yes. Observed: 2 variant alleles.
Comment: ACMG: PVS1, PM2, PM3, PP5

Revvity Omics, Revvity
Classification: Pathogenic for Primary ciliary dyskinesia 19. Last evaluated: 2023-08-07. Review status: criteria provided, single submitter. Criteria: ACMG Guidelines, 2015. Collection method: clinical testing. Allele origin: germline.

Columbia University Laboratory of Personalized Genomic Medicine, Columbia University Medical Center
Classification: Likely pathogenic for Primary ciliary dyskinesia 19. Last evaluated: 2021-02-05. Review status: criteria provided, single submitter. Criteria: ACMG Guidelines, 2015. Collection method: clinical testing. Allele origin: inherited. Inheritance: Autosomal recessive inheritance. Affected: yes. Observed: 1 variant allele, 1 homozygote.
Comment: The variant is present in the population at low level (gnomAD: 45/251288=0.000179). The p.S27Vfs*13 variant has been reported once as a homozygous variant in a patient with primary ciliary dyskinesia (Gileles-Hillel, 2020 (PMID: 33447612)). While no functional data for this variant is available, in vitro studies of downstream truncating variants are recognized loss-of-function causes of autosomal recessive primary ciliary dyskinesia-19 (Kott 2012 (PMID: 23122589), Zariwala 2013 (PubMed: 23891469)).

Ambry Genetics
Classification: Pathogenic for Primary ciliary dyskinesia. Last evaluated: 2020-11-20. Review status: criteria provided, single submitter. Criteria: Ambry Variant Classification Scheme 2023. Collection method: clinical testing. Allele origin: germline.
Comment: The c.79_80delTC pathogenic mutation, located in coding exon 2 of the LRRC6 gene, results from a deletion of two nucleotides at nucleotide positions 79 to 80, causing a translational frameshift with a predicted alternate stop codon (p.S27Vfs*13). This alteration is expected to result in loss of function by premature protein truncation or nonsense-mediated mRNA decay. As such, this alteration is interpreted as a disease-causing mutation.

Literature cited by the submitters: PubMed 33447612 (cited by 4 submitters); PubMed 23122589 (cited by Labcorp Genetics (formerly Invitae), Labcorp).

NM_012472.6(DNAAF11):c.79_80del (p.Ser27fs)

Gene: DNAAF11 (dynein axonemal assembly factor 11; minus strand). Cytogenetic location: 8q24.22.
Variant type: Microsatellite.
Coding change: c.79_80del on transcript NM_012472.6 (MANE Select); coding-DNA positions 79 to 80, 2 bases deleted (TC; older notation c.79_80delTC).
Protein change: p.Ser27fs; shifts the reading frame from serine 27.
Molecular consequence: frameshift variant. On other transcripts: 5 prime UTR variant (4), non-coding transcript variant (7), intron variant (1).
Genome position (GRCh38, 1-based): chr8:132,661,558-132,661,559, GA deleted on the plus strand (TC on the coding strand, the reverse complement: DNAAF11 is on the minus strand); deleting any 2 consecutive bases within chr8:132,661,558-132,661,562 gives the same sequence; the c. name uses the placement nearest the transcript's 3' end. VCF-style (leftmost placement, unchanged base first): chr8-132661557-CGA-C. GRCh37 (hg19) VCF-style: chr8-133673803-CGA-C.
Other names: c.79_80delTC (NM_012472.6, NM_012472.5); c.79_80del, p.Ser27fs (NM_001321961.2); c.-284TC[1] (NM_001321963.2, NM_001321964.2, NM_001321966.2); c.-597TC[1] (NM_001321965.2); c.10+13925_10+13926del (NM_001321962.2); c.79_80del (NM_012472.4); short protein forms S27fs.
Identifiers: ClinVar variation 540327 (VCV000540327.30), dbSNP rs769220870, ClinGen allele CA4881472.
Genomic context (GRCh38, chr8:132,661,557, plus strand): 5'-TTTTAAATCCCGGCACCATTTATCAATGTGTTCTAGTCTTTCTATTTCTTGCTGATGCAA[CGA>C]GAGTTCCTCCAGGGAAAAAATGACACAGTCGTTGTGTTCAGCATTCCGTCTAATAAGATC-3'